The following is an entry in ClinVar:

ClinVar aggregate classification (germline): Uncertain significance. Review status: criteria provided, multiple submitters, no conflicts (2 of 4 stars). 2 submissions from 2 submitters: Uncertain significance (2). Last evaluated 2023-07-21.

Allele frequency attached by ClinVar (database versions not stated): gnomAD exomes 0.00004; gnomAD 0.00005; TOPMed 0.00008; 1000 Genomes Project 0.00040; 1000 Genomes Project 30x 0.00047.
gnomAD v4.1: 63 of 1,614,070 alleles (0.0039%); highest among the groups gnomAD compares: East Asian, 0.13%; no homozygotes.

Submissions (2):

Labcorp Genetics (formerly Invitae), Labcorp
Classification: Uncertain significance. Last evaluated: 2023-07-21. Review status: criteria provided, single submitter. Criteria: Invitae Variant Classification Sherloc (09022015). Collection method: clinical testing. Allele origin: germline.
Comment: This variant is present in population databases (rs184264407, gnomAD 0.2%), and has an allele count higher than expected for a pathogenic variant. This sequence change replaces arginine, which is basic and polar, with glycine, which is neutral and non-polar, at codon 632 of the AK7 protein (p.Arg632Gly). This variant has not been reported in the literature in individuals affected with AK7-related conditions. In summary, the available evidence is currently insufficient to determine the role of this variant in disease. Therefore, it has been classified as a Variant of Uncertain Significance. Advanced modeling of protein sequence and biophysical properties (such as structural, functional, and spatial information, amino acid conservation, physicochemical variation, residue mobility, and thermodynamic stability) performed at Invitae indicates that this missense variant is not expected to disrupt AK7 protein function.

Ambry Genetics
Classification: Uncertain significance. Last evaluated: 2022-05-11. Review status: criteria provided, single submitter. Criteria: Ambry Variant Classification Scheme 2023. Collection method: clinical testing. Allele origin: germline.

NM_152327.5(AK7):c.1894A>G (p.Arg632Gly)

Gene: AK7 (adenylate kinase 7; plus strand). Cytogenetic location: 14q32.2.
Variant type: single nucleotide variant.
Coding change: c.1894A>G on transcript NM_152327.5 (MANE Select); coding-DNA position 1894, A replaced by G.
Protein change: p.Arg632Gly; replaces arginine 632 with glycine.
Molecular consequence: missense variant.
Genome position (GRCh38, 1-based): chr14:96,483,139, A>G. VCF-style: chr14-96483139-A-G. GRCh37 (hg19) VCF-style: chr14-96949476-A-G.
Other names: c.1825A>G, p.Arg609Gly (NM_001350888.2, NM_001350890.2); c.1816A>G, p.Arg606Gly (NM_001350891.2); c.1696A>G, p.Arg566Gly (NM_001350892.2); c.1894A>G (NM_152327.2); short protein forms R606G, R566G, R609G, R632G.
Identifiers: ClinVar variation 2908397 (VCV002908397.2), dbSNP rs184264407, ClinGen allele CA7337997.
Genomic context (GRCh38, chr14:96,483,139, plus strand): 5'-GGTTTAACAGACGAAGAAAAGGCAGAAGAGGAGCGGAAGGCTGCGGAGGAGCGGCTGGCC[A>G]GGGAGGCTGCTGAGGAAGCAGAACGCGAGCACCAGGAGGCCGTGGAGATGGCAGAGAAGA-3'
Protein context (NP_689540.2, residues 622-642): ERKAAEERLA[Arg632Gly]EAAEEAEREH